The following is an entry in ClinVar:

NC_000016.10:g.(89779004_89779868)_(89779958_89782858)del

Gene: FANCA (FA complementation group A; minus strand). Cytogenetic location: 16q24.3.
Variant type: Deletion.
Identifiers: ClinVar variation 974322 (VCV000974322.1).

ClinVar aggregate classification (germline): Uncertain significance (0 of 4 stars; one submission).

Conditions:
Fanconi anemia complementation group A (FANCA). Also called: Fanconi anemia, group A; FANCA-Related Fanconi Anemia. Identifiers: Orphanet 84, MedGen C3469521, MONDO:0009215, OMIM 227650.

Submission:

Leiden Open Variation Database
Classification: Uncertain significance for Fanconi anemia complementation group A. Last evaluated: 2020-02-28. Review status: no assertion criteria provided. Collection method: curation. Allele origin: germline. Affected: yes.
Comment: Curator: Arleen D. Auerbach. Submitter to LOVD: Arleen D. Auerbach.